The following is an entry in ClinVar:

NM_024407.5(NDUFS7):c.408+9C>G

Gene: NDUFS7 (NADH:ubiquinone oxidoreductase core subunit S7; plus strand). Cytogenetic location: 19p13.3.
Variant type: single nucleotide variant.
Coding change: c.408+9C>G on transcript NM_024407.5 (MANE Select); 9 bases into the intron after coding-DNA position 408, C replaced by G.
Molecular consequence: intron variant.
Genome position (GRCh38, 1-based): chr19:1,391,059, C>G. VCF-style: chr19-1391059-C-G. GRCh37 (hg19) VCF-style: chr19-1391058-C-G.
Other names: p.?; c.408+9C>G (NM_001363602.2).
Identifiers: ClinVar variation 2864077 (VCV002864077.4), dbSNP rs370280943, ClinGen allele CA783451409.

ClinVar aggregate classification (germline): Likely benign. Review status: criteria provided, multiple submitters, no conflicts (2 of 4 stars). 2 submissions from 2 submitters: Likely benign (2). Last evaluated 2024-10-15.

gnomAD v4.1: 5 of 1,612,838 alleles (0.00031%); highest among the groups gnomAD compares: Non-Finnish European, 0.00034%; no homozygotes.

Submissions (2):

Mayo Clinic Laboratories, Mayo Clinic
Classification: Likely benign. Last evaluated: 2024-10-15. Review status: criteria provided, single submitter. Criteria: ACMG Guidelines, 2015. Collection method: clinical testing. Allele origin: germline. Observed: 1 variant allele.
Comment: BP4, BP7

Labcorp Genetics (formerly Invitae), Labcorp
Classification: Likely benign. Last evaluated: 2023-08-14. Review status: criteria provided, single submitter. Criteria: Invitae Variant Classification Sherloc (09022015). Collection method: clinical testing. Allele origin: germline.